The following is an entry in ClinVar:

ClinVar aggregate classification (germline): Conflicting classifications of pathogenicity. Review status: criteria provided, conflicting classifications (1 of 4 stars). 4 submissions from 4 submitters: Uncertain significance (2); Likely benign (2). Last evaluated 2025-01-06.

Conditions:
Cardiovascular phenotype. Identifiers: MedGen CN230736.
Arrhythmogenic right ventricular cardiomyopathy (ARVD). Also called: Cardiomyopathy, ARVC; Arrhythmogenic right ventricular dysplasia; Arrhythmogenic cardiomyopathy; Arrhythmogenic Right Ventricular Cardiomyopathy (ARVC). Identifiers: Orphanet 247, MedGen C0349788, MeSH D019571, MONDO:0016587. Disease mechanism: loss of function. Inheritance: Various modes of inheritance.
Cardiomyopathy (CMYO). Also called: Cardiomyopathies. Identifiers: Orphanet 167848, MedGen C0878544, MONDO:0004994, HP:0001638. Inheritance: Various modes of inheritance.
Arrhythmogenic right ventricular dysplasia 10. Also called: Arrhythmogenic Right Ventricular Dysplasia/Cardiomyopathy10; ARRHYTHMOGENIC RIGHT VENTRICULAR DYSPLASIA, FAMILIAL, 10; Arrhythmogenic right ventricular dysplasia/cardiomyopathy, type 10. Identifiers: MedGen C1857777, MONDO:0012434, OMIM 610193.

Allele frequency attached by ClinVar (database versions not stated): gnomAD exomes below 0.00001 and 0.00002; ExAC 0.00001; TOPMed 0.00001.
gnomAD v4.1: 2 of 1,611,986 alleles (0.00012%); highest among the groups gnomAD compares: East Asian, 0.0045%; no homozygotes.

Submissions (4):

Ambry Genetics
Classification: Uncertain significance for Cardiovascular phenotype. Last evaluated: 2025-01-06. Review status: criteria provided, single submitter. Criteria: Ambry Variant Classification Scheme 2023. Collection method: clinical testing. Allele origin: germline.
Comment: The p.T945A variant (also known as c.2833A>G), located in coding exon 15 of the DSG2 gene, results from an A to G substitution at nucleotide position 2833. The threonine at codon 945 is replaced by alanine, an amino acid with similar properties. This amino acid position is conserved. In addition, this alteration is predicted to be tolerated by in silico analysis. Based on the available evidence, the clinical significance of this variant remains unclear.

Color Diagnostics, LLC DBA Color Health
Classification: Likely benign for Cardiomyopathy. Last evaluated: 2024-08-29. Review status: criteria provided, single submitter. Criteria: ACMG Guidelines, 2015. Collection method: clinical testing. Allele origin: germline.

All of Us Research Program, National Institutes of Health
Classification: Likely benign for Arrhythmogenic right ventricular cardiomyopathy. Last evaluated: 2023-12-01. Review status: criteria provided, single submitter. Criteria: ACMG Guidelines, 2015. Collection method: clinical testing. Allele origin: germline. Inheritance: Autosomal dominant inheritance. Observed: 1 variant allele, 1 heterozygote.
Comment: This study involves interpretation of variants in research participants for the purpose of population health screening. Participant phenotype was not available at the time of variant classification. Additional details can be found in publication PMID: 35346344, PMCID: PMC8962531

Labcorp Genetics (formerly Invitae), Labcorp
Classification: Uncertain significance for Arrhythmogenic right ventricular dysplasia 10. Last evaluated: 2022-07-06. Review status: criteria provided, single submitter. Criteria: Invitae Variant Classification Sherloc (09022015). Collection method: clinical testing. Allele origin: germline.
Comment: This sequence change replaces threonine, which is neutral and polar, with alanine, which is neutral and non-polar, at codon 945 of the DSG2 protein (p.Thr945Ala). This variant is present in population databases (rs746297630, gnomAD 0.02%). This variant has not been reported in the literature in individuals affected with DSG2-related conditions. ClinVar contains an entry for this variant (Variation ID: 855084). Algorithms developed to predict the effect of missense changes on protein structure and function output the following: SIFT: "Tolerated"; PolyPhen-2: "Benign"; Align-GVGD: "Class C0". The alanine amino acid residue is found in multiple mammalian species, which suggests that this missense change does not adversely affect protein function. In summary, the available evidence is currently insufficient to determine the role of this variant in disease. Therefore, it has been classified as a Variant of Uncertain Significance.

NM_001943.5(DSG2):c.2833A>G (p.Thr945Ala)

Genes: DSG2 (desmoglein 2; plus strand), DSG2-AS1 (DSG2 antisense RNA 1; minus strand). Cytogenetic location: 18q12.1.
Variant type: single nucleotide variant.
Coding change: c.2833A>G on transcript NM_001943.5 (MANE Select); coding-DNA position 2833, A replaced by G.
Protein change: p.Thr945Ala; replaces threonine 945 with alanine.
Molecular consequence: missense variant.
Genome position (GRCh38, 1-based): chr18:31,546,219, A>G. VCF-style: chr18-31546219-A-G. GRCh37 (hg19) VCF-style: chr18-29126182-A-G.
Other names: short protein forms T945A.
Identifiers: ClinVar variation 855084 (VCV000855084.14), dbSNP rs746297630, ClinGen allele CA047315.